The following is an entry in ClinVar:

ClinVar aggregate classification (germline): Uncertain significance (1 of 4 stars; one submission).

Submission:

Labcorp Genetics (formerly Invitae), Labcorp
Classification: Uncertain significance. Last evaluated: 2025-12-19. Review status: criteria provided, single submitter. Criteria: Invitae Variant Classification Sherloc (09022015). Collection method: clinical testing. Allele origin: germline.
Comment: This sequence change replaces glutamine, which is neutral and polar, with arginine, which is basic and polar, at codon 131 of the TIMP3 protein (p.Gln131Arg). This variant is not present in population databases (gnomAD no frequency). This variant has not been reported in the literature in individuals affected with TIMP3-related conditions. An algorithm developed to predict the effect of missense changes on protein structure and function (PolyPhen-2) suggests that this variant is likely to be disruptive. In summary, the available evidence is currently insufficient to determine the role of this variant in disease. Therefore, it has been classified as a Variant of Uncertain Significance.

NM_000362.5(TIMP3):c.392A>G (p.Gln131Arg)

Genes: SYN3 (synapsin III; minus strand), TIMP3 (TIMP metallopeptidase inhibitor 3; plus strand). Cytogenetic location: 22q12.3.
Variant type: single nucleotide variant.
Coding change: c.392A>G on transcript NM_000362.5 (MANE Select); coding-DNA position 392, A replaced by G.
Protein change: p.Gln131Arg; replaces glutamine 131 with arginine.
Molecular consequence: missense variant. On other transcripts: intron variant (7).
Genome position (GRCh38, 1-based): chr22:32,858,092, A>G. VCF-style: chr22-32858092-A-G. GRCh37 (hg19) VCF-style: chr22-33254079-A-G.
Other names: c.708+6823T>C (NM_001369909.1, NM_001135774.2, NM_001369910.1); c.711+6823T>C (NM_001369907.1, NM_003490.4, NM_001369908.1 and 1 more transcripts); short protein forms Q131R.
Identifiers: ClinVar variation 4733615 (VCV004733615.1).